The following is an entry in ClinVar:

NM_000256.3(MYBPC3):c.3331-7C>G

Gene: MYBPC3 (myosin binding protein C3; minus strand). Cytogenetic location: 11p11.2.
Variant type: single nucleotide variant.
Coding change: c.3331-7C>G on transcript NM_000256.3 (MANE Select); 7 bases into the intron before coding-DNA position 3331, C replaced by G.
Molecular consequence: intron variant.
Genome position (GRCh38, 1-based): chr11:47,332,980, G>C on the plus strand (C>G on the coding strand, the complement: MYBPC3 is on the minus strand). VCF-style: chr11-47332980-G-C. GRCh37 (hg19) VCF-style: chr11-47354531-G-C.
Identifiers: ClinVar variation 861614 (VCV000861614.9), dbSNP rs2095878715, ClinGen allele CA916081635.

ClinVar aggregate classification (germline): Uncertain significance (1 of 4 stars; one submission).

Conditions:
Hypertrophic cardiomyopathy. Also called: HYPERTROPHIC MYOCARDIOPATHY. Identifiers: Orphanet 217569, MedGen C0007194, MeSH D002312, MONDO:0005045, HP:0001639.

Submission:

Labcorp Genetics (formerly Invitae), Labcorp
Classification: Uncertain significance for Hypertrophic cardiomyopathy. Last evaluated: 2019-08-16. Review status: criteria provided, single submitter. Criteria: Invitae Variant Classification Sherloc (09022015). Collection method: clinical testing. Allele origin: germline.
Comment: This sequence change falls in intron 30 of the MYBPC3 gene. It does not directly change the encoded amino acid sequence of the MYBPC3 protein. This variant is not present in population databases (ExAC no frequency). This variant has not been reported in the literature in individuals with MYBPC3-related conditions. Algorithms developed to predict the effect of sequence changes on RNA splicing suggest that this variant may disrupt the consensus splice site, but this prediction has not been confirmed by published transcriptional studies. In summary, the available evidence is currently insufficient to determine the role of this variant in disease. Therefore, it has been classified as a Variant of Uncertain Significance.